The following is an entry in ClinVar:

NM_001447.3(FAT2):c.12682T>C (p.Phe4228Leu)

Genes: FAT2 (FAT atypical cadherin 2; minus strand), SLC36A1 (solute carrier family 36 member 1; plus strand). Cytogenetic location: 5q33.1.
Variant type: single nucleotide variant.
Coding change: c.12682T>C on transcript NM_001447.3 (MANE Select); coding-DNA position 12682, T replaced by C.
Protein change: p.Phe4228Leu; replaces phenylalanine 4228 with leucine.
Molecular consequence: missense variant.
Genome position (GRCh38, 1-based): chr5:151,505,933, A>G on the plus strand (T>C on the coding strand, the complement: FAT2 is on the minus strand). VCF-style: chr5-151505933-A-G. GRCh37 (hg19) VCF-style: chr5-150885494-A-G.
Other names: short protein forms F4228L.
Identifiers: ClinVar variation 1984157 (VCV001984157.6), dbSNP rs1420405515, ClinGen allele CA361816212.

ClinVar aggregate classification (germline): Uncertain significance. Review status: criteria provided, multiple submitters, no conflicts (2 of 4 stars). 2 submissions from 2 submitters: Uncertain significance (2). Last evaluated 2024-06-26.

Allele frequency attached by ClinVar (database versions not stated): gnomAD 0.00001; TOPMed 0.00002; gnomAD exomes 0.00003.
gnomAD v4.1: 42 of 1,584,702 alleles (0.0027%); highest among the groups gnomAD compares: Non-Finnish European, 0.0034%; no homozygotes.

Submissions (2):

Ambry Genetics
Classification: Uncertain significance. Last evaluated: 2024-06-26. Review status: criteria provided, single submitter. Criteria: Ambry Variant Classification Scheme 2023. Collection method: clinical testing. Allele origin: germline.

Labcorp Genetics (formerly Invitae), Labcorp
Classification: Uncertain significance. Last evaluated: 2022-03-15. Review status: criteria provided, single submitter. Criteria: Invitae Variant Classification Sherloc (09022015). Collection method: clinical testing. Allele origin: germline.
Comment: This variant is present in population databases (no rsID available, gnomAD 0.001%). This sequence change replaces phenylalanine, which is neutral and non-polar, with leucine, which is neutral and non-polar, at codon 4228 of the FAT2 protein (p.Phe4228Leu). This variant has not been reported in the literature in individuals affected with FAT2-related conditions. In summary, the available evidence is currently insufficient to determine the role of this variant in disease. Therefore, it has been classified as a Variant of Uncertain Significance. Algorithms developed to predict the effect of missense changes on protein structure and function are either unavailable or do not agree on the potential impact of this missense change (SIFT: "Deleterious"; PolyPhen-2: "Possibly Damaging"; Align-GVGD: "Class C0").